The following is an entry in ClinVar:

ClinVar aggregate classification (germline): Uncertain significance (1 of 4 stars; one submission).

Conditions:
Cardiovascular phenotype. Identifiers: MedGen CN230736.

Submission:

Ambry Genetics
Classification: Uncertain significance for Cardiovascular phenotype. Last evaluated: 2025-08-09. Review status: criteria provided, single submitter. Criteria: Ambry Variant Classification Scheme 2023. Collection method: clinical testing. Allele origin: germline.
Comment: The p.S3434F variant (also known as c.10301C>T), located in coding exon 29 of the TNXB gene, results from a C to T substitution at nucleotide position 10301. The serine at codon 3434 is replaced by phenylalanine, an amino acid with highly dissimilar properties. This amino acid position is conserved. In addition, this alteration is predicted to be tolerated by in silico analysis. Based on the available evidence, the clinical significance of this variant remains unclear.

NM_001365276.2(TNXB):c.10307C>T (p.Ser3436Phe)

Genes: TNXB (tenascin XB; minus strand), LOC126859654 (P300/CBP strongly-dependent group 1 enhancer GRCh37_chr6:32014364-32015563; plus strand). Cytogenetic location: 6p21.33.
Variant type: single nucleotide variant.
Coding change: c.10307C>T on transcript NM_001365276.2 (MANE Select); coding-DNA position 10307, C replaced by T.
Protein change: p.Ser3436Phe; replaces serine 3436 with phenylalanine.
Molecular consequence: missense variant.
Genome position (GRCh38, 1-based): chr6:32,047,751, G>A on the plus strand (C>T on the coding strand, the complement: TNXB is on the minus strand). VCF-style: chr6-32047751-G-A. GRCh37 (hg19) VCF-style: chr6-32015528-G-A.
Other names: c.11048C>T, p.Ser3683Phe (NM_001428335.1); c.10301C>T, p.Ser3434Phe (NM_019105.8); short protein forms S3434F, S3683F, S3436F.
Identifiers: ClinVar variation 4188652 (VCV004188652.1).
Genomic context (GRCh38, chr6:32,047,751, plus strand): 5'-GAGAGGCAGCTCTGGAAAAGGTGGAGGCTGGACTGGGACTCACCTGTGGTGCTGTCAGCA[G>A]AGATGGGGCCCAGTCGTTTCCTGCCTGACAGACCATAGAGCAGGAACCTGTATTTCCTAC-3'
Protein context (NP_001352205.1, residues 3426-3446): LSGRKRLGPI[Ser3436Phe]ADSTTAPLEK